The following is an entry in ClinVar:

NM_001844.5(COL2A1):c.2464-75A>C

Gene: COL2A1 (collagen type II alpha 1 chain; minus strand). Cytogenetic location: 12q13.11.
Variant type: single nucleotide variant.
Coding change: c.2464-75A>C on transcript NM_001844.5 (MANE Select); 75 bases into the intron before coding-DNA position 2464, A replaced by C.
Molecular consequence: intron variant.
Genome position (GRCh38, 1-based): chr12:47,981,043, T>G on the plus strand (A>C on the coding strand, the complement: COL2A1 is on the minus strand). VCF-style: chr12-47981043-T-G. GRCh37 (hg19) VCF-style: chr12-48374826-T-G.
Other names: c.2257-75A>C (NM_033150.3).
Identifiers: ClinVar variation 674856 (VCV000674856.2), dbSNP rs2276458, ClinGen allele CA13687143.

ClinVar aggregate classification (germline): Benign. Review status: criteria provided, multiple submitters, no conflicts (2 of 4 stars). 2 submissions from 2 submitters: Benign (2). Last evaluated 2018-06-18.

Allele frequency attached by ClinVar (database versions not stated): 1000 Genomes Project 30x 0.31402; 1000 Genomes Project 0.31989; TOPMed 0.33451; ESP Exome Variant Server 0.34544.

Submissions (2):

GeneDx
Classification: Benign. Last evaluated: 2018-06-18. Review status: criteria provided, single submitter. Criteria: GeneDx Variant Classification (06012015). Collection method: clinical testing. Allele origin: germline. Affected: yes.
Comment: This variant is considered likely benign or benign based on one or more of the following criteria: it is a conservative change, it occurs at a poorly conserved position in the protein, it is predicted to be benign by multiple in silico algorithms, and/or has population frequency not consistent with disease.

Breakthrough Genomics
Classification: Benign. Review status: criteria provided, single submitter. Criteria: ACMG Guidelines, 2015. Collection method: not provided. Allele origin: germline. Inheritance: Autosomal dominant inheritance. Affected: yes.